The following is an entry in ClinVar:

ClinVar aggregate classification (germline): Likely benign (1 of 4 stars; one submission).

gnomAD v4.1: 2 of 152,194 alleles (0.0013%); highest among the groups gnomAD compares: African/African-American, 0.0048%; no homozygotes.

Submission:

Dasa
Classification: Likely benign. Last evaluated: 2026-02-26. Review status: criteria provided, single submitter. Criteria: DASA Assertion Criteria. Collection method: clinical testing. Allele origin: germline.
Comment: NM_014946.4(SPAST):c.1099-5148T>G is an intronic variant. The variant context is inconsistent with a known disease-causing mechanism. Computational prediction algorithms are consistent with a benign effect. Therefore, based on the currently available evidence, this variant is classified as likely benign.

NM_014946.4(SPAST):c.1099-5148T>G

Gene: SPAST (spastin; plus strand). Cytogenetic location: 2p22.3.
Variant type: single nucleotide variant.
Coding change: c.1099-5148T>G on transcript NM_014946.4 (MANE Select); 5148 bases into the intron before coding-DNA position 1099, T replaced by G.
Molecular consequence: intron variant.
Genome position (GRCh38, 1-based): chr2:32,121,800, T>G. VCF-style: chr2-32121800-T-G. GRCh37 (hg19) VCF-style: chr2-32346869-T-G.
Other names: c.1003-5148T>G (NM_199436.2, NM_001377959.1); c.1096-5148T>G (NM_001363823.2); c.1000-5148T>G (NM_001363875.2).
Identifiers: ClinVar variation 4886384 (VCV004886384.2).
Genomic context (GRCh38, chr2:32,121,800, plus strand): 5'-CACCATGTTGGCCAGGCTGGTTTCAAACTCCTGACCTCAGGTGATCCACCTGCTTTGGCC[T>G]CCCAGAGTGCTGGGATTACAGGCATGAGCCACCGTGCCCAGCCCTATTCTGATTTCATAG-3'